The following is an entry in ClinVar:

NM_002292.4(LAMB2):c.2242C>T (p.Gln748Ter)

Gene: LAMB2 (laminin subunit beta 2; minus strand). Cytogenetic location: 3p21.31.
Variant type: single nucleotide variant.
Coding change: c.2242C>T on transcript NM_002292.4 (MANE Select); coding-DNA position 2242, C replaced by T.
Protein change: p.Gln748Ter; replaces glutamine 748 with a stop codon.
Molecular consequence: nonsense.
Genome position (GRCh38, 1-based): chr3:49,126,069, G>A on the plus strand (C>T on the coding strand, the complement: LAMB2 is on the minus strand). VCF-style: chr3-49126069-G-A. GRCh37 (hg19) VCF-style: chr3-49163502-G-A.
Other names: short protein forms Q748*.
Identifiers: ClinVar variation 4783865 (VCV004783865.1).

ClinVar aggregate classification (germline): Pathogenic (1 of 4 stars; one submission).

Conditions:
Pierson syndrome. Also called: MICROCORIA-CONGENITAL NEPHROTIC SYNDROME. Identifiers: Orphanet 2670, MedGen C1836876, MONDO:0012184, OMIM 609049.
LAMB2-related infantile-onset nephrotic syndrome. Also called: NEPHROTIC SYNDROME, TYPE 5, WITHOUT OCULAR ABNORMALITIES; NEPHROTIC SYNDROME, TYPE 5, WITH OCULAR ABNORMALITIES; Nephrotic Syndrome, type 5. Identifiers: Orphanet 306507, MedGen C3280113, MONDO:0013621, OMIM 614199.

Submission:

Labcorp Genetics (formerly Invitae), Labcorp
Classification: Pathogenic for LAMB2-related infantile-onset nephrotic syndrome; Pierson syndrome. Last evaluated: 2025-10-12. Review status: criteria provided, single submitter. Criteria: Invitae Variant Classification Sherloc (09022015). Collection method: clinical testing. Allele origin: germline.
Comment: This sequence change creates a premature translational stop signal (p.Gln748*) in the LAMB2 gene. It is expected to result in an absent or disrupted protein product. Loss-of-function variants in LAMB2 are known to be pathogenic (PMID: 15367484). This variant is not present in population databases (gnomAD no frequency). This premature translational stop signal has been observed in individual(s) with nephrotic syndrome (PMID: 35755072). For these reasons, this variant has been classified as Pathogenic.

Literature cited by the submitters: PubMed 15367484; PubMed 35755072.